The following is an entry in ClinVar:

NM_001267550.2(TTN):c.39819G>T (p.Val13273=)

Gene: TTN (titin; minus strand). Cytogenetic location: 2q31.2.
Variant type: single nucleotide variant.
Coding change: c.39819G>T on transcript NM_001267550.2 (MANE Select); coding-DNA position 39819, G replaced by T.
Protein change: p.Val13273=; no amino-acid change (valine 13273 retained).
Molecular consequence: synonymous variant. On other transcripts: intron variant (3).
Genome position (GRCh38, 1-based): chr2:178,649,893, C>A on the plus strand (G>T on the coding strand, the complement: TTN is on the minus strand). VCF-style: chr2-178649893-C-A. GRCh37 (hg19) VCF-style: chr2-179514620-C-A.
Other names: c.35298G>T, p.Val11766= (NM_001256850.1); c.32517G>T, p.Val10839= (NM_133378.4); c.13283-7576G>T (NM_003319.4); c.13859-7576G>T (NM_133437.4); c.13658-7576G>T (NM_133432.3).
Identifiers: ClinVar variation 4987742 (VCV004987742.1).

ClinVar aggregate classification (germline): Likely benign (1 of 4 stars; one submission).

Conditions:
TTN-related disorder. Also called: TTN-related disorders; TTN-related condition; TTN-related disease.

Submission:

PreventionGenetics, part of Exact Sciences
Classification: Likely benign for TTN-related condition. Last evaluated: 2025-04-17. Review status: criteria provided, single submitter. Criteria: ACMG Guidelines, 2015. Collection method: clinical testing. Allele origin: germline.
Comment: This variant is classified as likely benign based on ACMG/AMP sequence variant interpretation guidelines (Richards et al. 2015 PMID: 25741868, with internal and published modifications).